The following is an entry in ClinVar:

ClinVar aggregate classification (germline): Uncertain significance (1 of 4 stars; one submission).

Allele frequency attached by ClinVar (database versions not stated): gnomAD exomes below 0.00001.

Submission:

GeneDx
Classification: Uncertain significance. Last evaluated: 2020-11-27. Review status: criteria provided, single submitter. Criteria: GeneDx Variant Classification Process June 2021. Collection method: clinical testing. Allele origin: germline. Affected: yes.
Comment: Has not been previously published as pathogenic or benign to our knowledge; In silico analysis supports that this missense variant has a deleterious effect on protein structure/function

NM_004380.3(CREBBP):c.5698C>A (p.Pro1900Thr)

Gene: CREBBP (CREB binding protein; minus strand). Cytogenetic location: 16p13.3.
Variant type: single nucleotide variant.
Coding change: c.5698C>A on transcript NM_004380.3 (MANE Select); coding-DNA position 5698, C replaced by A.
Protein change: p.Pro1900Thr; replaces proline 1900 with threonine.
Molecular consequence: missense variant.
Genome position (GRCh38, 1-based): chr16:3,729,349, G>T on the plus strand (C>A on the coding strand, the complement: CREBBP is on the minus strand). VCF-style: chr16-3729349-G-T. GRCh37 (hg19) VCF-style: chr16-3779350-G-T.
Other names: c.5584C>A, p.Pro1862Thr (NM_001079846.1); short protein forms P1862T, P1900T.
Identifiers: ClinVar variation 1312604 (VCV001312604.2), dbSNP rs1287402561, ClinGen allele CA394555723.